The following is an entry in ClinVar:

ClinVar aggregate classification (germline): Uncertain significance (1 of 4 stars; one submission).

Conditions:
Mucopolysaccharidosis type 6 (MPS6). Also called: N-ACETYLGALACTOSAMINE-4-SULFATASE DEFICIENCY; MPS VI; MPS 6; Maroteaux Lamy syndrome; ARSB DEFICIENCY; ARYLSULFATASE B DEFICIENCY. Identifiers: Orphanet 583, MedGen C0026709, MONDO:0009661, OMIM 253200.

Allele frequency attached by ClinVar (database versions not stated): gnomAD exomes below 0.00001.

Submission:

Laboratory of Diagnosis and Therapy of Lysosomal Disorders, University of Padova
Classification: Uncertain significance for Mucopolysaccharidosis type 6. Last evaluated: 2018-01-01. Review status: criteria provided, single submitter. Criteria: ACMG Guidelines, 2015. Collection method: curation. Allele origin: germline. Affected: yes.
Comment: Absent from GnomAD (PM2)

Literature cited by the submitters: PubMed 17643332; PubMed 30118150.

NM_000046.5(ARSB):c.719C>T (p.Ser240Phe)

Gene: ARSB (arylsulfatase B; minus strand). Cytogenetic location: 5q14.1.
Variant type: single nucleotide variant.
Coding change: c.719C>T on transcript NM_000046.5 (MANE Select); coding-DNA position 719, C replaced by T.
Protein change: p.Ser240Phe; replaces serine 240 with phenylalanine.
Molecular consequence: missense variant.
Genome position (GRCh38, 1-based): chr5:78,955,474, G>A on the plus strand (C>T on the coding strand, the complement: ARSB is on the minus strand). VCF-style: chr5-78955474-G-A. GRCh37 (hg19) VCF-style: chr5-78251297-G-A.
Other names: c.719C>T, p.Ser240Phe (NM_198709.3); short protein forms S240F.
Identifiers: ClinVar variation 559807 (VCV000559807.1), dbSNP rs1554086430, ClinGen allele CA360192293.